The following is an entry in ClinVar:

ClinVar aggregate classification (germline): Benign/Likely benign. Review status: criteria provided, multiple submitters, no conflicts (2 of 4 stars). 4 submissions from 4 submitters: Benign (2); Likely benign (2). Last evaluated 2026-01-19.

Conditions:
Autosomal dominant Parkinson disease 8. Also called: LRRK2-Related Parkinson Disease; Parkinson disease 8; Parkinson disease 8, susceptibility to. Identifiers: Orphanet 411602, MedGen C1846862, MONDO:0011764, OMIM 607060.

Allele frequency attached by ClinVar (database versions not stated): gnomAD exomes 0.00087; ExAC 0.00098; ESP Exome Variant Server 0.00308; gnomAD 0.00314 and 0.00339; 1000 Genomes Project 0.00319; 1000 Genomes Project 30x 0.00328; TOPMed 0.00352.
gnomAD v4.1: 959 of 1,612,890 alleles (0.059%); highest among the groups gnomAD compares: African/African-American, 1%; 6 homozygotes.

Submissions (4):

Labcorp Genetics (formerly Invitae), Labcorp
Classification: Benign for Autosomal dominant Parkinson disease 8. Last evaluated: 2026-01-19. Review status: criteria provided, single submitter. Criteria: Invitae Variant Classification Sherloc (09022015). Collection method: clinical testing. Allele origin: germline.

Blueprint Genetics
Classification: Likely benign. Last evaluated: 2024-11-12. Review status: criteria provided, single submitter. Criteria: ACMG Guidelines, 2015. Collection method: clinical testing. Allele origin: germline.

CeGaT Center for Human Genetics Tuebingen
Classification: Benign. Last evaluated: 2023-12-01. Review status: criteria provided, single submitter. Criteria: CeGaT Center For Human Genetics Tuebingen Variant Classification Criteria Version 2. Collection method: clinical testing. Allele origin: germline. Affected: yes. Observed: 1 variant allele.
Comment: LRRK2: BP4, BS1, BS2

GeneDx
Classification: Likely benign. Last evaluated: 2021-05-25. Review status: criteria provided, single submitter. Criteria: GeneDx Variant Classification Process June 2021. Collection method: clinical testing. Allele origin: germline. Affected: yes.

NM_198578.4(LRRK2):c.4318-6C>T

Gene: LRRK2 (leucine rich repeat kinase 2; plus strand). Cytogenetic location: 12q12.
Variant type: single nucleotide variant.
Coding change: c.4318-6C>T on transcript NM_198578.4 (MANE Select); 6 bases into the intron before coding-DNA position 4318, C replaced by T.
Molecular consequence: intron variant.
Genome position (GRCh38, 1-based): chr12:40,310,425, C>T. VCF-style: chr12-40310425-C-T. GRCh37 (hg19) VCF-style: chr12-40704227-C-T.
Identifiers: ClinVar variation 695341 (VCV000695341.37), dbSNP rs56082834, ClinGen allele CA6514158.